The following is an entry in ClinVar:

NM_013266.4(CTNNA3):c.168T>A (p.Ser56Arg)

Gene: CTNNA3 (catenin alpha 3; minus strand). Cytogenetic location: 10q21.3.
Variant type: single nucleotide variant.
Coding change: c.168T>A on transcript NM_013266.4 (MANE Select); coding-DNA position 168, T replaced by A.
Protein change: p.Ser56Arg; replaces serine 56 with arginine.
Molecular consequence: missense variant.
Genome position (GRCh38, 1-based): chr10:67,606,981, A>T on the plus strand (T>A on the coding strand, the complement: CTNNA3 is on the minus strand). VCF-style: chr10-67606981-A-T. GRCh37 (hg19) VCF-style: chr10-69366739-A-T.
Other names: c.204T>A, p.Ser68Arg (NM_001291133.2); c.168T>A, p.Ser56Arg (NM_001127384.3); short protein forms S68R, S56R.
Identifiers: ClinVar variation 3498309 (VCV003498309.4).

ClinVar aggregate classification (germline): Conflicting classifications of pathogenicity. Review status: criteria provided, conflicting classifications (1 of 4 stars). 3 submissions from 3 submitters: Uncertain significance (2); Likely benign (1). Last evaluated 2025-09-02.

Conditions:
Congenital heart disease (CHD). Identifiers: MedGen C0152021, MONDO:0005453. Disease mechanism: unknown.
Arrhythmogenic right ventricular dysplasia 13. Also called: ARRHYTHMOGENIC RIGHT VENTRICULAR CARDIOMYOPATHY 13; Arrhythmogenic right ventricular dysplasia, familial, 13. Identifiers: MedGen C3810138, MONDO:0000908, OMIM 615616.

gnomAD v4.1: 1 of 1,614,052 alleles (0.000062%); highest among the groups gnomAD compares: Non-Finnish European, 0.000085%; no homozygotes.

Submissions (3):

Labcorp Genetics (formerly Invitae), Labcorp
Classification: Uncertain significance for Arrhythmogenic right ventricular dysplasia 13. Last evaluated: 2025-09-02. Review status: criteria provided, single submitter. Criteria: Invitae Variant Classification Sherloc (09022015). Collection method: clinical testing. Allele origin: germline.
Comment: This sequence change replaces serine, which is neutral and polar, with arginine, which is basic and polar, at codon 56 of the CTNNA3 protein (p.Ser56Arg). This variant is not present in population databases (gnomAD no frequency). This variant has not been reported in the literature in individuals affected with CTNNA3-related conditions. ClinVar contains an entry for this variant (Variation ID: 3498309). Invitae Evidence Modeling of protein sequence and biophysical properties (such as structural, functional, and spatial information, amino acid conservation, physicochemical variation, residue mobility, and thermodynamic stability) indicates that this missense variant is not expected to disrupt CTNNA3 protein function with a negative predictive value of 80%. In summary, the available evidence is currently insufficient to determine the role of this variant in disease. Therefore, it has been classified as a Variant of Uncertain Significance.

Ambry Genetics
Classification: Likely benign. Last evaluated: 2024-10-21. Review status: criteria provided, single submitter. Criteria: Ambry Variant Classification Scheme 2023. Collection method: clinical testing. Allele origin: germline.

Department of Pathology and Laboratory Medicine, Sinai Health System
Classification: Uncertain significance for congenital heart disease. Last evaluated: 2021-07-30. Review status: criteria provided, single submitter. Criteria: ACMG Guidelines, 2015. Collection method: research. Allele origin: germline.